The following is an entry in ClinVar:

ClinVar aggregate classification (germline): Pathogenic. Review status: criteria provided, single submitter (1 of 4 stars). 2 submissions from 2 submitters: Pathogenic (1). 1 of the submissions does not count toward it. Last evaluated 2025-05-29.

Conditions:
Fibrosis, neurodegeneration, and cerebral angiomatosis. Also called: Fibrosis-neurodegeneration-cerebral angiomatosis syndrome. Identifiers: Orphanet 621758, MedGen C4748939, MONDO:0032651, OMIM 618278.

Allele frequency attached by ClinVar (database versions not stated): TOPMed 0.00002; gnomAD 0.00003 and 0.00004; gnomAD exomes 0.00004 and 0.00003; ExAC 0.00006.

Submissions (2):

First Genomix Gene Laboratory, Genetic Diagnostics Department
Classification: Pathogenic for Fibrosis, neurodegeneration, and cerebral angiomatosis. Last evaluated: 2025-05-29. Review status: criteria provided, single submitter. Criteria: ACMG Guidelines, 2015. Collection method: clinical testing. Allele origin: germline. Inheritance: Autosomal recessive inheritance. Affected: no. Observed: 1 variant allele.

OMIM
Classification: Pathogenic for FIBROSIS, NEURODEGENERATION, AND CEREBRAL ANGIOMATOSIS. Last evaluated: 2019-01-14. Review status: no assertion criteria provided. Collection method: literature only. Allele origin: germline. Not counted in ClinVar's aggregate classification.

Literature cited by the submitters: PubMed 29423877 (cited by OMIM).

NM_198514.4(NHLRC2):c.601_602del (p.Arg201fs)

Gene: NHLRC2 (NHL repeat containing 2; plus strand). Cytogenetic location: 10q25.3.
Variant type: Deletion.
Coding change: c.601_602del on transcript NM_198514.4 (MANE Select); coding-DNA positions 601 to 602, 2 bases deleted (AG; older notation c.601_602delAG).
Protein change: p.Arg201fs; shifts the reading frame from arginine 201.
Molecular consequence: frameshift variant.
Genome position (GRCh38, 1-based): chr10:113,876,790-113,876,791, AG deleted. VCF-style (leftmost placement, unchanged base first): chr10-113876789-CAG-C. GRCh37 (hg19) VCF-style: chr10-115636548-CAG-C.
Other names: c.601_602delAG (NM_198514.4); short protein forms R201fs.
Identifiers: ClinVar variation 599378 (VCV000599378.2), dbSNP rs757267294, ClinGen allele CA5697806.